The following is an entry in ClinVar:

NM_001303052.2(MYT1L):c.657C>T (p.Ala219=)

Gene: MYT1L (myelin transcription factor 1 like; minus strand). Cytogenetic location: 2p25.3.
Variant type: single nucleotide variant.
Coding change: c.657C>T on transcript NM_001303052.2 (MANE Select); coding-DNA position 657, C replaced by T.
Protein change: p.Ala219=; no amino-acid change (alanine 219 retained).
Molecular consequence: synonymous variant.
Genome position (GRCh38, 1-based): chr2:1,923,112, G>A on the plus strand (C>T on the coding strand, the complement: MYT1L is on the minus strand). VCF-style: chr2-1923112-G-A. GRCh37 (hg19) VCF-style: chr2-1926884-G-A.
Other names: c.657C>T, p.Ala219= (NM_001329844.2, NM_001329845.1, NM_001329846.3 and 6 more transcripts); c.657C>T (NM_001303052.1).
Identifiers: ClinVar variation 1252513 (VCV001252513.10), dbSNP rs370129180, ClinGen allele CA1514360.

ClinVar aggregate classification (germline): Benign/Likely benign. Review status: criteria provided, multiple submitters, no conflicts (2 of 4 stars). 3 submissions from 3 submitters: Benign (1); Likely benign (2). Last evaluated 2026-08-01.

Conditions:
MYT1L-related disorder. Also called: MYT1L-related condition.

Allele frequency attached by ClinVar (database versions not stated): ExAC 0.00036; TOPMed 0.00041; gnomAD exomes 0.00042 and 0.00093; gnomAD 0.00045 and 0.00047; ESP Exome Variant Server 0.00074.
gnomAD v4.1: 1,420 of 1,613,854 alleles (0.088%); highest among the groups gnomAD compares: Non-Finnish European, 0.11%; 1 homozygote.

Submissions (3):

CeGaT Center for Human Genetics Tuebingen
Classification: Likely benign. Last evaluated: 2026-08-01. Review status: criteria provided, single submitter. Criteria: CeGaT Center For Human Genetics Tuebingen Variant Classification Criteria Version 2. Collection method: clinical testing. Allele origin: germline. Affected: yes. Observed: 5 variant alleles.
Comment: MYT1L: BP4, BP7, BS1

PreventionGenetics, part of Exact Sciences
Classification: Likely benign for MYT1L-related condition. Last evaluated: 2025-10-06. Review status: criteria provided, single submitter. Criteria: ACMG Guidelines, 2015. Collection method: clinical testing. Allele origin: germline.
Comment: This variant is classified as likely benign based on ACMG/AMP sequence variant interpretation guidelines (Richards et al. 2015 PMID: 25741868, with internal and published modifications).

GeneDx
Classification: Benign. Last evaluated: 2020-02-14. Review status: criteria provided, single submitter. Criteria: GeneDx Variant Classification Process June 2021. Collection method: clinical testing. Allele origin: germline. Affected: yes.